The following is an entry in ClinVar:

NM_005529.7(HSPG2):c.11827G>A (p.Ala3943Thr)

Gene: HSPG2 (heparan sulfate proteoglycan 2; minus strand). Cytogenetic location: 1p36.12.
Variant type: single nucleotide variant.
Coding change: c.11827G>A on transcript NM_005529.7 (MANE Select); coding-DNA position 11827, G replaced by A.
Protein change: p.Ala3943Thr; replaces alanine 3943 with threonine.
Molecular consequence: missense variant.
Genome position (GRCh38, 1-based): chr1:21,829,548, C>T on the plus strand (G>A on the coding strand, the complement: HSPG2 is on the minus strand). VCF-style: chr1-21829548-C-T. GRCh37 (hg19) VCF-style: chr1-22156041-C-T.
Other names: c.11830G>A, p.Ala3944Thr (NM_001291860.2); short protein forms A3943T, A3944T.
Identifiers: ClinVar variation 295711 (VCV000295711.56), dbSNP rs116630187, ClinGen allele CA669606.

ClinVar aggregate classification (germline): Conflicting classifications of pathogenicity. Review status: criteria provided, conflicting classifications (1 of 4 stars). 12 submissions from 11 submitters: Uncertain significance (1); Benign (2); Likely benign (6). 3 of the submissions do not count toward it. Last evaluated 2025-12-25.

Conditions:
Connective tissue disorder. Also called: Connective tissue disease. Identifiers: MedGen C0009782, MONDO:0003900.
HSPG2-related disorder. Also called: HSPG2-related condition; HSPG2-related disorders.
Lethal Kniest-like syndrome (DDSH). Also called: Dyssegmental Dysplasia. Identifiers: Orphanet 1865, MedGen C1857100, MONDO:0009140, OMIM 224410.
Schwartz-Jampel syndrome. Also called: Myotonic myopathy dwarfism chondrodystrophy and ocular and facial abnormalities. Identifiers: Orphanet 800, MedGen C0036391, MONDO:0009717.

Allele frequency attached by ClinVar (database versions not stated): 1000 Genomes Project 30x 0.00062; ESP Exome Variant Server 0.00069; gnomAD 0.00078 and 0.00087; 1000 Genomes Project 0.00080; TOPMed 0.00093; ExAC 0.00137; gnomAD exomes 0.00145.
gnomAD v4.1: 2,195 of 1,612,220 alleles (0.14%); highest among the groups gnomAD compares: South Asian, 0.5%; 9 homozygotes.

Submissions (12):

Labcorp Genetics (formerly Invitae), Labcorp
Classification: Likely benign. Last evaluated: 2025-12-25. Review status: criteria provided, single submitter. Criteria: Invitae Variant Classification Sherloc (09022015). Collection method: clinical testing. Allele origin: germline.

Blueprint Genetics
Classification: Likely benign. Last evaluated: 2024-11-14. Review status: criteria provided, single submitter. Criteria: ACMG Guidelines, 2015. Collection method: clinical testing. Allele origin: germline.

Women's Health and Genetics/Laboratory Corporation of America, LabCorp
Classification: Likely benign. Last evaluated: 2024-10-17. Review status: criteria provided, single submitter. Criteria: LabCorp Variant Classification Summary - May 2015. Collection method: clinical testing. Allele origin: germline.
Comment: Variant summary: HSPG2 c.11827G>A (p.Ala3943Thr) results in a non-conservative amino acid change in the encoded protein sequence. Four of five in-silico tools predict a damaging effect of the variant on protein function. The variant allele was found at a frequency of 0.0015 in 248896 control chromosomes, predominantly at a frequency of 0.0046 within the South Asian subpopulation in the gnomAD database, including 1 homozygotes. The observed variant frequency within South Asian control individuals in the gnomAD database exceeds the estimated maximal expected allele frequency for a pathogenic variant in HSPG2 causing Schwartz Jampel Syndrome Type 1 phenotype. To our knowledge, no occurrence of c.11827G>A in individuals affected with Schwartz Jampel Syndrome Type 1 and no experimental evidence demonstrating its impact on protein function have been reported. ClinVar contains an entry for this variant (Variation ID: 295711). Based on the evidence outlined above, the variant was classified as likely benign.

CeGaT Center for Human Genetics Tuebingen
Classification: Likely benign. Last evaluated: 2022-10-01. Review status: criteria provided, single submitter. Criteria: CeGaT Center For Human Genetics Tuebingen Variant Classification Criteria Version 2. Collection method: clinical testing. Allele origin: germline. Affected: yes. Observed: 1 variant allele.
Comment: HSPG2: BP4, BS2

Genome Diagnostics Laboratory, The Hospital for Sick Children
Classification: Benign for Connective tissue disorder. Last evaluated: 2021-12-20. Review status: criteria provided, single submitter. Criteria: ACMG Guidelines, 2015. Collection method: clinical testing. Allele origin: germline.

ARUP Laboratories, Molecular Genetics and Genomics, ARUP Laboratories
Classification: Uncertain significance. Last evaluated: 2021-10-21. Review status: criteria provided, single submitter. Criteria: ARUP Molecular Germline Variant Investigation Process 2021. Collection method: clinical testing. Allele origin: germline.
Comment: The HSPG2 c.11827G>A; p.Ala3943Thr variant (rs116630187) has not been reported in the medical literature but has been reported to ClinVar (Variation ID: 295711). This variant is observed in the general population at an overall frequency of 0.14% (382/280280 alleles, 3 homozygotes) in the Genome Aggregation Database. The alanine at position 3943 is weakly conserved, but computational algorithms (SIFT: tolerated, PolyPhen-2: possibly damaging) predict conflicting results of this variant on protein structure/function. Due to the lack of clinical and functional data regarding this variant, its clinical significance cannot be determined with certainty.

Athena Diagnostics
Classification: Benign. Last evaluated: 2020-08-19. Review status: criteria provided, single submitter. Criteria: Athena Diagnostics Criteria. Collection method: clinical testing. Allele origin: unknown.

Illumina Laboratory Services, Illumina
Classification: Likely benign for Lethal Kniest-like syndrome. Last evaluated: 2018-01-13. Review status: criteria provided, single submitter. Criteria: ICSL Variant Classification Criteria 13 December 2019. Collection method: clinical testing. Allele origin: germline.
Comment: This variant was observed in the ICSL laboratory as part of a predisposition screen in an ostensibly healthy population. It had not been previously curated by ICSL or reported in the Human Gene Mutation Database (HGMD: prior to June 1st, 2018), and was therefore a candidate for classification through an automated scoring system. Utilizing variant allele frequency, disease prevalence and penetrance estimates, and inheritance mode, an automated score was calculated to assess if this variant is too frequent to cause the disease. Based on the score and internal cut-off values, a variant classified as likely benign is not then subjected to further curation. The score for this variant resulted in a classification of likely benign for this disease.

Illumina Laboratory Services, Illumina
Classification: Likely benign for Schwartz-Jampel syndrome type 1. Last evaluated: 2018-01-13. Review status: criteria provided, single submitter. Criteria: ICSL Variant Classification Criteria 13 December 2019. Collection method: clinical testing. Allele origin: germline.
Comment: the same text as in the submission from Illumina Laboratory Services, Illumina above.

PreventionGenetics, part of Exact Sciences
Classification: Likely benign for HSPG2-related condition. Last evaluated: 2019-08-09. Review status: no assertion criteria provided. Collection method: clinical testing. Allele origin: germline. Not counted in ClinVar's aggregate classification.
Comment: This variant is classified as likely benign based on ACMG/AMP sequence variant interpretation guidelines (Richards et al. 2015 PMID: 25741868, with internal and published modifications).

Clinical Genetics DNA and cytogenetics Diagnostics Lab, Erasmus MC, Erasmus Medical Center
Classification: Likely benign. Review status: no assertion criteria provided. Collection method: clinical testing. Allele origin: germline. Affected: yes. Study: VKGL Data-share Consensus. Not counted in ClinVar's aggregate classification.

Laboratory of Diagnostic Genome Analysis, Leiden University Medical Center (LUMC)
Classification: Likely benign. Review status: no assertion criteria provided. Collection method: clinical testing. Allele origin: germline. Affected: yes. Study: VKGL Data-share Consensus. Not counted in ClinVar's aggregate classification.

Literature cited by the submitters: PubMed 29271572 (cited by Athena Diagnostics).